The following is an entry in ClinVar:

NM_002693.3(POLG):c.1984G>T (p.Glu662Ter)

Gene: POLG (DNA polymerase gamma, catalytic subunit; minus strand). Cytogenetic location: 15q26.1.
Variant type: single nucleotide variant.
Coding change: c.1984G>T on transcript NM_002693.3 (MANE Select); coding-DNA position 1984, G replaced by T.
Protein change: p.Glu662Ter; replaces glutamic acid 662 with a stop codon.
Molecular consequence: nonsense.
Genome position (GRCh38, 1-based): chr15:89,324,193, C>A on the plus strand (G>T on the coding strand, the complement: POLG is on the minus strand). VCF-style: chr15-89324193-C-A. GRCh37 (hg19) VCF-style: chr15-89867424-C-A.
Other names: c.1984G>T, p.Glu662Ter (NM_001126131.2); short protein forms E662*.
Identifiers: ClinVar variation 4848601 (VCV004848601.1).

ClinVar aggregate classification (germline): Pathogenic (1 of 4 stars; one submission).

Conditions:
Mitochondrial DNA depletion syndrome. Also called: mitochondrial DNA depletion. Identifiers: Orphanet 35698, MedGen C0342782, MONDO:0018158.

gnomAD v4.1: 2 of 1,613,554 alleles (0.00012%); highest among the groups gnomAD compares: South Asian, 0.0011%; no homozygotes.

Submission:

Women's Health and Genetics/Laboratory Corporation of America, LabCorp
Classification: Pathogenic for Mitochondrial DNA depletion syndrome. Last evaluated: 2026-04-14. Review status: criteria provided, single submitter. Criteria: LabCorp Variant Classification Summary - May 2015. Collection method: clinical testing. Allele origin: germline.
Comment: Variant summary: POLG c.1984G>T (p.Glu662X) results in a premature termination codon, predicted to cause a truncation of the encoded protein or absence of the protein due to nonsense mediated decay, which are commonly known mechanisms for disease. The variant was absent in 249974 control chromosomes. To our knowledge, no occurrence of c.1984G>T in individuals affected with POLG-related conditions and no experimental evidence demonstrating its impact on protein function have been reported. No submitters have cited clinical-significance assessments for this variant to ClinVar. Based on the evidence outlined above, the variant was classified as pathogenic.